The following is an entry in ClinVar:

NM_033448.3(KRT71):c.436G>A (p.Asp146Asn)

Gene: KRT71 (keratin 71; minus strand). Cytogenetic location: 12q13.13.
Variant type: single nucleotide variant.
Coding change: c.436G>A on transcript NM_033448.3 (MANE Select); coding-DNA position 436, G replaced by A.
Protein change: p.Asp146Asn; replaces aspartic acid 146 with asparagine.
Molecular consequence: missense variant.
Genome position (GRCh38, 1-based): chr12:52,552,642, C>T on the plus strand (G>A on the coding strand, the complement: KRT71 is on the minus strand). VCF-style: chr12-52552642-C-T. GRCh37 (hg19) VCF-style: chr12-52946426-C-T.
Other names: short protein forms D146N.
Identifiers: ClinVar variation 2400289 (VCV002400289.5), dbSNP rs146701542, ClinGen allele CA6583465.

ClinVar aggregate classification (germline): Uncertain significance. Review status: criteria provided, multiple submitters, no conflicts (2 of 4 stars). 2 submissions from 2 submitters: Uncertain significance (2). Last evaluated 2025-04-01.

Allele frequency attached by ClinVar (database versions not stated): ExAC 0.00003; gnomAD 0.00005; TOPMed 0.00006; ESP Exome Variant Server 0.00008.
gnomAD v4.1: 83 of 1,609,380 alleles (0.0052%); highest among the groups gnomAD compares: Non-Finnish European, 0.0049%; no homozygotes.

Submissions (2):

Ambry Genetics
Classification: Uncertain significance. Last evaluated: 2025-04-01. Review status: criteria provided, single submitter. Criteria: Ambry Variant Classification Scheme 2023. Collection method: clinical testing. Allele origin: germline.

Labcorp Genetics (formerly Invitae), Labcorp
Classification: Uncertain significance. Last evaluated: 2024-08-21. Review status: criteria provided, single submitter. Criteria: Invitae Variant Classification Sherloc (09022015). Collection method: clinical testing. Allele origin: germline.
Comment: This sequence change replaces aspartic acid, which is acidic and polar, with asparagine, which is neutral and polar, at codon 146 of the KRT71 protein (p.Asp146Asn). This variant is present in population databases (rs146701542, gnomAD 0.05%). This variant has not been reported in the literature in individuals affected with KRT71-related conditions. ClinVar contains an entry for this variant (Variation ID: 2400289). Invitae Evidence Modeling of protein sequence and biophysical properties (such as structural, functional, and spatial information, amino acid conservation, physicochemical variation, residue mobility, and thermodynamic stability) indicates that this missense variant is not expected to disrupt KRT71 protein function with a negative predictive value of 80%. In summary, the available evidence is currently insufficient to determine the role of this variant in disease. Therefore, it has been classified as a Variant of Uncertain Significance.